The following is an entry in ClinVar:

NM_001267550.2(TTN):c.38876-2A>T

Gene: TTN (titin; minus strand). Cytogenetic location: 2q31.2.
Variant type: single nucleotide variant.
Coding change: c.38876-2A>T on transcript NM_001267550.2 (MANE Select); the canonical splice acceptor site of the intron before coding-DNA position 38876, A replaced by T.
Molecular consequence: splice acceptor variant. On other transcripts: intron variant (5).
Genome position (GRCh38, 1-based): chr2:178,652,933, T>A on the plus strand (A>T on the coding strand, the complement: TTN is on the minus strand). VCF-style: chr2-178652933-T-A. GRCh37 (hg19) VCF-style: chr2-179517660-T-A.
Other names: c.13283-10616A>T (NM_003319.4); c.13859-10616A>T (NM_133437.4); c.13658-10616A>T (NM_133432.3); c.31742-392A>T (NM_133378.4); c.34523-392A>T (NM_001256850.1).
Identifiers: ClinVar variation 2943084 (VCV002943084.3), dbSNP rs1185989004, ClinGen allele CA349465877.
Genomic context (GRCh38, chr2:178,652,933, plus strand): 5'-TTTAGGAGGAGCCAAGGGCATTTTCTTTTCAGGAACAACCTCTATGGGAGCCTCTGGCAC[T>A]TAAAAGATATTAGTGAAATTACATTTAGAAGTTTGAAGACCACTAGAAAAGTATTTTCAA-3'

ClinVar aggregate classification (germline): Uncertain significance (1 of 4 stars; one submission).

Conditions:
Dilated cardiomyopathy 1G (CMD1G). Identifiers: Orphanet 154, MedGen C1858763, MONDO:0011400, OMIM 604145.
Autosomal recessive limb-girdle muscular dystrophy type 2J (LGMDR10). Also called: MUSCULAR DYSTROPHY, LIMB-GIRDLE, AUTOSOMAL RECESSIVE 10; Limb-girdle muscular dystrophy, type 2J. Identifiers: Orphanet 140922, MedGen C1837342, MONDO:0012127, OMIM 608807.

Submission:

Labcorp Genetics (formerly Invitae), Labcorp
Classification: Uncertain significance for Dilated cardiomyopathy 1G; Autosomal recessive limb-girdle muscular dystrophy type 2J. Last evaluated: 2023-01-16. Review status: criteria provided, single submitter. Criteria: Invitae Variant Classification Sherloc (09022015). Collection method: clinical testing. Allele origin: germline.
Comment: In summary, the available evidence is currently insufficient to determine the role of this variant in disease. Therefore, it has been classified as a Variant of Uncertain Significance. This variant is located in the I band of TTN (PMID: 25589632). Truncating variants in this region have been shown to be highly prevalent in the general population and unaffected individuals (PMID: 26701604, 22335739). However, truncating variants in this region have also been reported in individuals affected with autosomal recessive centronuclear myopathy (PMID: 23975875). Algorithms developed to predict the effect of sequence changes on RNA splicing suggest that this variant may disrupt the consensus splice site. This variant has not been reported in the literature in individuals affected with TTN-related conditions. This variant is not present in population databases (gnomAD no frequency). This sequence change affects an acceptor splice site in intron 199 of the TTN gene. It is expected to disrupt RNA splicing and likely results in a truncated or disrupted TTN protein.

Literature cited by the submitters: PubMed 25589632; PubMed 26701604; PubMed 22335739; PubMed 23975875.